The following is an entry in ClinVar:

ClinVar aggregate classification (germline): Likely pathogenic. Review status: criteria provided, multiple submitters, no conflicts (2 of 4 stars). 3 submissions from 3 submitters: Likely pathogenic (3). Last evaluated 2025-11-05.

Conditions:
Hereditary cancer-predisposing syndrome. Also called: Neoplastic Syndromes, Hereditary; Hereditary Cancer Syndrome; Tumor predisposition; Hereditary neoplastic syndrome. Identifiers: Orphanet 140162, MedGen C0027672, MeSH D009386, MONDO:0015356.
Familial cancer of breast. Also called: Hereditary breast cancer; BREAST CANCER, FAMILIAL; hereditary breast carcinoma. Identifiers: Orphanet 227535, MedGen C0346153, MONDO:0016419, OMIM 114480. Disease mechanism: loss of function.
Ataxia-telangiectasia syndrome (AT). Also called: LOUIS-BAR SYNDROME; Cerebello-oculocutaneous telangiectasia; Immunodeficiency with ataxia telangiectasia; Ataxia-telangiectasia, complementation group D; AT, COMPLEMENTATION GROUP C; Ataxia-telangiectasia, complementation group E. Identifiers: Orphanet 100, MedGen C0004135, MONDO:0008840, OMIM 208900.

gnomAD v4.1: 2 of 1,614,116 alleles (0.00012%); highest among the groups gnomAD compares: Non-Finnish European, 0.00017%; no homozygotes.

Submissions (3):

Labcorp Genetics (formerly Invitae), Labcorp
Classification: Likely pathogenic for Ataxia-telangiectasia syndrome. Last evaluated: 2025-11-05. Review status: criteria provided, single submitter. Criteria: Invitae Variant Classification Sherloc (09022015). Collection method: clinical testing. Allele origin: germline.
Comment: This sequence change replaces aspartic acid, which is acidic and polar, with histidine, which is basic and polar, at codon 2708 of the ATM protein (p.Asp2708His). This variant is not present in population databases (gnomAD no frequency). This variant has not been reported in the literature in individuals affected with ATM-related conditions. ClinVar contains an entry for this variant (Variation ID: 407682). Invitae Evidence Modeling of protein sequence and biophysical properties (such as structural, functional, and spatial information, amino acid conservation, physicochemical variation, residue mobility, and thermodynamic stability) indicates that this missense variant is expected to disrupt ATM protein function with a positive predictive value of 95%. This variant disrupts the p.Asp2708 amino acid residue in ATM. Other variant(s) that disrupt this residue have been determined to be pathogenic (PMID: 16941484, 19431188, 22071889, 23632773). This suggests that this residue is clinically significant, and that variants that disrupt this residue are likely to be disease-causing. In summary, the currently available evidence indicates that the variant is pathogenic, but additional data are needed to prove that conclusively. Therefore, this variant has been classified as Likely Pathogenic.

Ambry Genetics
Classification: Likely pathogenic for Hereditary cancer-predisposing syndrome. Last evaluated: 2025-11-04. Review status: criteria provided, single submitter. Criteria: Ambry Variant Classification Scheme 2023. Collection method: clinical testing. Allele origin: germline.
Comment: The p.D2708H variant (also known as c.8122G>C), located in coding exon 54 of the ATM gene, results from a G to C substitution at nucleotide position 8122. The aspartic acid at codon 2708 is replaced by histidine, an amino acid with similar properties. In an assay testing ATM function, this variant showed a functionally abnormal result (Lee KS et al. Cell, 2025 Sep;188:5081-5099.e27). Two other alterations at the same codon, p.D2708N (c.8122G>A) and p.D2708E (c.8124T>A), have been reported in conjunction with other pathogenic ATM mutations in several individuals with classic and variant ataxia telangiectasia (AT) (Cavalieri S et al. Hum Mutat, 2006 Oct;27:1061; Heinrich T et al. Eur. J. Pediatr. 2006; 165:250-7; Micol R et al. J. Allergy Clin. Immunol. 2011 Aug;128(2):382-9.e1; Jacquemin V et al. Eur J Hum Genet, 2012 Mar;20:305-12; Claes K et al. Neuromolecular Med, 2013 Sep;15:447-57; Bisgin A et al. Biomed Res Int 2018 May;2018:9647253; Hoche F et al. Cerebellum, 2019 Apr;18:225-244). This variant is considered to be rare based on population cohorts in the Genome Aggregation Database (gnomAD). This amino acid position is highly conserved in available vertebrate species. In addition, this alteration is predicted to be deleterious by in silico analysis. Based on the majority of available evidence to date, this variant is likely to be pathogenic.

Fulgent Genetics
Classification: Likely pathogenic for Familial cancer of breast; Ataxia-telangiectasia syndrome. Last evaluated: 2024-02-13. Review status: criteria provided, single submitter. Criteria: ACMG Guidelines, 2015. Collection method: clinical testing. Allele origin: germline.

Literature cited by the submitters: PubMed 16941484 (cited by Labcorp Genetics (formerly Invitae), Labcorp and Ambry Genetics); PubMed 19431188 (cited by Labcorp Genetics (formerly Invitae), Labcorp); PubMed 22071889 (cited by Labcorp Genetics (formerly Invitae), Labcorp and Ambry Genetics); PubMed 23632773 (cited by Labcorp Genetics (formerly Invitae), Labcorp and Ambry Genetics); PubMed 30338439 (cited by Ambry Genetics); PubMed 40580951 (cited by Ambry Genetics).

NM_000051.4(ATM):c.8122G>C (p.Asp2708His)

Genes: C11orf65 (chromosome 11 open reading frame 65; minus strand), ATM (ATM serine/threonine kinase; plus strand). Cytogenetic location: 11q22.3.
Variant type: single nucleotide variant.
Coding change: c.8122G>C on transcript NM_000051.4 (MANE Select); coding-DNA position 8122, G replaced by C.
Protein change: p.Asp2708His; replaces aspartic acid 2708 with histidine.
Molecular consequence: missense variant. On other transcripts: intron variant (2).
Genome position (GRCh38, 1-based): chr11:108,335,080, G>C. VCF-style: chr11-108335080-G-C. GRCh37 (hg19) VCF-style: chr11-108205807-G-C.
Other names: c.8122G>C, p.Asp2708His (NM_001351834.2); c.641-26009C>G (NM_001330368.2); c.*38+140C>G (NM_001351110.2); short protein forms D2708H.
Identifiers: ClinVar variation 407682 (VCV000407682.14), dbSNP rs587782719, ClinGen allele CA16613497.
Genomic context (GRCh38, chr11:108,335,080, plus strand): 5'-GCAGAATTTCGCTTAGCAGGAGGTGTAAATTTACCAAAAATAATAGATTGTGTAGGTTCC[G>C]ATGGCAAGGAGAGGAGACAGCTTGTTAAGGTGAGCCTTCCCTTCTCTGGCTTAGCCCTTA-3'
Protein context (NP_000042.3, residues 2698-2718): LPKIIDCVGS[Asp2708His]GKERRQLVKG